The following is an entry in ClinVar:

NM_020919.4(ALS2):c.576G>C (p.Pro192=)

Gene: ALS2 (alsin Rho guanine nucleotide exchange factor ALS2; minus strand). Cytogenetic location: 2q33.1.
Variant type: single nucleotide variant.
Coding change: c.576G>C on transcript NM_020919.4 (MANE Select); coding-DNA position 576, G replaced by C.
Protein change: p.Pro192=; no amino-acid change (proline 192 retained).
Molecular consequence: synonymous variant.
Genome position (GRCh38, 1-based): chr2:201,761,418, C>G on the plus strand (G>C on the coding strand, the complement: ALS2 is on the minus strand). VCF-style: chr2-201761418-C-G. GRCh37 (hg19) VCF-style: chr2-202626141-C-G.
Other names: c.576G>C, p.Pro192= (NM_001135745.2).
Identifiers: ClinVar variation 533751 (VCV000533751.49), dbSNP rs368315644, ClinGen allele CA2058627.

ClinVar aggregate classification (germline): Likely benign. Review status: criteria provided, multiple submitters, no conflicts (2 of 4 stars). 4 submissions from 4 submitters: Likely benign (3). 1 of the submissions does not count toward it. Last evaluated 2026-06-01.

Conditions:
ALS2-related disorder. Also called: ALS2-Related Spectrum Disorders; ALS2-related disorders; ALS2-related condition. Identifiers: MedGen CN169291.
Infantile-onset ascending hereditary spastic paralysis (IAHSP). Also called: Autosomal Recessive Juvenile Amyotrophic Lateral Sclerosis; Infantile-Onset Ascending Hereditary Spastic Paralysis (IAHSP). Identifiers: Orphanet 293168, MedGen C2931441, MONDO:0011797, OMIM 607225. Disease mechanism: loss of function.

Allele frequency attached by ClinVar (database versions not stated): TOPMed 0.00010; 1000 Genomes Project 30x 0.00016; 1000 Genomes Project 0.00020.
gnomAD v4.1: 224 of 1,607,642 alleles (0.014%); highest among the groups gnomAD compares: Admixed American, 0.067%; no homozygotes.

Submissions (4):

CeGaT Center for Human Genetics Tuebingen
Classification: Likely benign. Last evaluated: 2026-06-01. Review status: criteria provided, single submitter. Criteria: CeGaT Center For Human Genetics Tuebingen Variant Classification Criteria Version 2. Collection method: clinical testing. Allele origin: germline. Affected: yes. Observed: 5 variant alleles.
Comment: ALS2: BP4, BP7

Labcorp Genetics (formerly Invitae), Labcorp
Classification: Likely benign for Infantile-onset ascending hereditary spastic paralysis. Last evaluated: 2025-12-17. Review status: criteria provided, single submitter. Criteria: Invitae Variant Classification Sherloc (09022015). Collection method: clinical testing. Allele origin: germline.

Blueprint Genetics
Classification: Likely benign. Last evaluated: 2024-09-07. Review status: criteria provided, single submitter. Criteria: ACMG Guidelines, 2015. Collection method: clinical testing. Allele origin: germline.

PreventionGenetics, part of Exact Sciences
Classification: Likely benign for ALS2-related condition. Last evaluated: 2019-03-04. Review status: no assertion criteria provided. Collection method: clinical testing. Allele origin: germline. Not counted in ClinVar's aggregate classification.
Comment: This variant is classified as likely benign based on ACMG/AMP sequence variant interpretation guidelines (Richards et al. 2015 PMID: 25741868, with internal and published modifications).